The following is an entry in ClinVar:

ClinVar aggregate classification (germline): Pathogenic. Review status: criteria provided, multiple submitters, no conflicts (2 of 4 stars). 2 submissions from 2 submitters: Pathogenic (2). Last evaluated 2024-11-05.

Conditions:
Hereditary cancer-predisposing syndrome. Also called: Neoplastic Syndromes, Hereditary; Tumor predisposition; Hereditary neoplastic syndrome; Hereditary Cancer Syndrome. Identifiers: Orphanet 140162, MedGen C0027672, MeSH D009386, MONDO:0015356.
Hereditary breast ovarian cancer syndrome. Also called: Hereditary breast and ovarian cancer syndrome (HBOC); Hereditary breast and ovarian cancer; Hereditary breast and/or ovarian cancer syndrome; Hereditary breast and ovarian cancer syndrome; Breast and ovarian cancer; BRCA1- and BRCA2-Associated Hereditary Breast and Ovarian Cancer. Identifiers: Orphanet 145, MedGen C0677776, MeSH D061325, MONDO:0003582. Disease mechanism: loss of function.

Submissions (2):

Labcorp Genetics (formerly Invitae), Labcorp
Classification: Pathogenic for Hereditary breast ovarian cancer syndrome. Last evaluated: 2024-11-05. Review status: criteria provided, single submitter. Criteria: Invitae Variant Classification Sherloc (09022015). Collection method: clinical testing. Allele origin: germline.
Comment: This sequence change creates a premature translational stop signal (p.Thr463Glnfs*3) in the BRCA2 gene. It is expected to result in an absent or disrupted protein product. Loss-of-function variants in BRCA2 are known to be pathogenic (PMID: 20104584). This variant is not present in population databases (gnomAD no frequency). This premature translational stop signal has been observed in individual(s) with breast and/or ovarian cancer (PMID: 30702160). ClinVar contains an entry for this variant (Variation ID: 568699). For these reasons, this variant has been classified as Pathogenic.

Ambry Genetics
Classification: Pathogenic for Hereditary cancer-predisposing syndrome. Last evaluated: 2023-10-03. Review status: criteria provided, single submitter. Criteria: Ambry Variant Classification Scheme 2023. Collection method: clinical testing. Allele origin: germline.
Comment: The c.1387delA pathogenic mutation, located in coding exon 9 of the BRCA2 gene, results from a deletion of one nucleotide at nucleotide position 1387, causing a translational frameshift with a predicted alternate stop codon (p.T463Qfs*3). This alteration is expected to result in loss of function by premature protein truncation or nonsense-mediated mRNA decay. As such, this alteration is interpreted as a disease-causing mutation.

Literature cited by the submitters: PubMed 20104584 (cited by Labcorp Genetics (formerly Invitae), Labcorp); PubMed 30702160 (cited by Labcorp Genetics (formerly Invitae), Labcorp).

NM_000059.4(BRCA2):c.1387del (p.Thr463fs)

Gene: BRCA2 (BRCA2 DNA repair associated; plus strand). Cytogenetic location: 13q13.1.
Variant type: Deletion.
Coding change: c.1387del on transcript NM_000059.4 (MANE Select); coding-DNA position 1387, one base deleted (A; older notation c.1387delA).
Protein change: p.Thr463fs; shifts the reading frame from threonine 463.
Molecular consequence: frameshift variant.
Genome position (GRCh38, 1-based): chr13:32,332,865, A deleted; the last of 3 consecutive A bases (chr13:32,332,863-32,332,865); deleting any one gives the same sequence. VCF-style (leftmost placement, unchanged base first): chr13-32332862-GA-G. GRCh37 (hg19) VCF-style: chr13-32906999-GA-G.
Other names: c.1387delA (NM_000059.3); short protein forms T463fs.
Identifiers: ClinVar variation 568699 (VCV000568699.11), dbSNP rs1566223465, ClinGen allele CA891843619.
Genomic context (GRCh38, chr13:32,332,862, plus strand): 5'-TCAGAGAATTCTTTGCCACGTATTTCTAGCCTACCAAAATCAGAGAAGCCATTAAATGAG[GA>G]AACAGTGGTAAATAAGAGAGATGAAGAGCAGCATCTTGAATCTCATACAGACTGCATTCT-3'